The following is an entry in ClinVar:

ClinVar aggregate classification (germline): Likely benign (1 of 4 stars; one submission).

gnomAD v4.1: 1,356 of 1,614,150 alleles (0.084%); highest among the groups gnomAD compares: Middle Eastern, 0.3%; 3 homozygotes.

Submissions (2):

CeGaT Center for Human Genetics Tuebingen
Classification: Likely benign. Last evaluated: 2026-09-01. Review status: criteria provided, single submitter. Criteria: CeGaT Center For Human Genetics Tuebingen Variant Classification Criteria Version 2. Collection method: clinical testing. Allele origin: germline. Affected: yes. Observed: 1 variant allele.
Comment: SECISBP2: BP4, BP7

Dr. Peter K. Rogan Lab, Western University
No classification provided (evidence only). Condition: Cervical cancer. Review status: no classification provided. Collection method: in vitro. Allele origin: not applicable. Functional consequence: retained intron. Not counted in ClinVar's aggregate classification.

NM_024077.5(SECISBP2):c.1020A>T (p.Pro340=)

Gene: SECISBP2 (SECIS binding protein 2; plus strand). Cytogenetic location: 9q22.2.
Variant type: single nucleotide variant.
Coding change: c.1020A>T on transcript NM_024077.5 (MANE Select); coding-DNA position 1020, A replaced by T.
Protein change: p.Pro340=; no amino-acid change (proline 340 retained).
Molecular consequence: synonymous variant.
Genome position (GRCh38, 1-based): chr9:89,334,661, A>T. VCF-style: chr9-89334661-A-T. GRCh37 (hg19) VCF-style: chr9-91949576-A-T.
Other names: NC_000009.11:g.91949576A>T; c.1017A>T, p.Pro339= (NM_001282688.2); c.801A>T, p.Pro267= (NM_001282689.2); c.816A>T, p.Pro272= (NM_001282690.1); c.903A>T, p.Pro301= (NM_001354696.2, NM_001354698.2); c.906A>T, p.Pro302= (NM_001354697.2); c.135A>T, p.Pro45= (NM_001354702.2).
Identifiers: ClinVar variation 4358193 (VCV004358193.2).
Genomic context (GRCh38, chr9:89,334,661, plus strand): 5'-TTCTATGATAAACTTAAAGACCATTGCTTCATCAGCAGATCCTAAAAATGTTAGTATACC[A>T]TCTTCTGAAGCTTTATCTTCGGATCCTTCCTACAACAAAGAAAAACACATTATTCATCCT-3'
Protein context (NP_076982.3, residues 330-350): SSADPKNVSI[Pro340=]SSEALSSDPS